The following is an entry in ClinVar:

NM_000256.3(MYBPC3):c.821+5G>A

Gene: MYBPC3 (myosin binding protein C3; minus strand). Cytogenetic location: 11p11.2.
Variant type: single nucleotide variant.
Coding change: c.821+5G>A on transcript NM_000256.3 (MANE Select); 5 bases into the intron after coding-DNA position 821, G replaced by A.
Molecular consequence: intron variant.
Genome position (GRCh38, 1-based): chr11:47,347,852, C>T on the plus strand (G>A on the coding strand, the complement: MYBPC3 is on the minus strand). VCF-style: chr11-47347852-C-T. GRCh37 (hg19) VCF-style: chr11-47369403-C-T.
Other names: IVS7, G-A, +5.
Identifiers: ClinVar variation 42796 (VCV000042796.28), dbSNP rs397516077, ClinGen allele CA015909.
Genomic context (GRCh38, chr11:47,347,852, plus strand): 5'-CGAGACCCTGAAGGGCCTCAGACTCCAGCACTGGCCTCCCCCAGGCCCTGAGGATGGCCA[C>T]TCACGTGCGGCGGAAGGCTGATAGGAGGTCCAGGTCTCCGGTGCCCATGGCCTCTGGGTT-3'

ClinVar aggregate classification (germline): Pathogenic/Likely pathogenic. Review status: criteria provided, multiple submitters, no conflicts (2 of 4 stars). 12 submissions from 12 submitters: Pathogenic (5); Likely pathogenic (4). 3 of the submissions do not count toward it. Last evaluated 2026-04-09.

Conditions:
Cardiovascular phenotype. Identifiers: MedGen CN230736.
MYBPC3-related disorder. Also called: MYBPC3-related disorders; MYBPC3-related condition; MYBPC3-related disease.
Cardiomyopathy (CMYO). Also called: Cardiomyopathies. Identifiers: Orphanet 167848, MedGen C0878544, MONDO:0004994, HP:0001638. Inheritance: Various modes of inheritance.
Hypertrophic cardiomyopathy 4. Also called: Familial hypertrophic cardiomyopathy 4. Identifiers: MedGen C1861862, MONDO:0007268, OMIM 115197.
Hypertrophic cardiomyopathy. Also called: HYPERTROPHIC MYOCARDIOPATHY. Identifiers: Orphanet 217569, MedGen C0007194, MeSH D002312, MONDO:0005045, HP:0001639.

Submissions (12):

Molecular Diagnostic Laboratory for Inherited Cardiovascular Disease, Montreal Heart Institute
Classification: Pathogenic for Cardiovascular phenotype. Last evaluated: 2026-04-09. Review status: criteria provided, single submitter. Criteria: ACMG Guidelines, 2015. Collection method: clinical testing. Allele origin: germline. Affected: yes.

Labcorp Genetics (formerly Invitae), Labcorp
Classification: Pathogenic for Hypertrophic cardiomyopathy. Last evaluated: 2025-12-23. Review status: criteria provided, single submitter. Criteria: Invitae Variant Classification Sherloc (09022015). Collection method: clinical testing. Allele origin: germline.
Comment: This sequence change falls in intron 7 of the MYBPC3 gene. It does not directly change the encoded amino acid sequence of the MYBPC3 protein. RNA analysis indicates that this variant induces altered splicing and may result in an absent or altered protein product. This variant is not present in population databases (gnomAD no frequency). This variant has been observed in individuals with clinical features of hypertrophic cardiomyopathy (PMID: 9048664, 12707239, 23140321). This variant is also known as IVS7+5G>A. ClinVar contains an entry for this variant (Variation ID: 42796). Variants that disrupt the consensus splice site are a relatively common cause of aberrant splicing (PMID: 17576681, 9536098). Studies have shown that this variant results in skipping of exon 7, and produces a non-functional protein and/or introduces a premature termination codon (PMID: 9048664). For these reasons, this variant has been classified as Pathogenic.

Laboratory of Medical Genetics, National & Kapodistrian University of Athens
Classification: Likely pathogenic for Hypertrophic cardiomyopathy 4. Last evaluated: 2022-05-16. Review status: criteria provided, single submitter. Criteria: ACMG Guidelines, 2015. Collection method: clinical testing. Allele origin: germline. Affected: yes.
Comment: PM2, PP3, PP5

Blueprint Genetics
Classification: Pathogenic for MYBPC3-related disorders. Last evaluated: 2021-02-24. Review status: criteria provided, single submitter. Criteria: ACMG Guidelines, 2015. Collection method: clinical testing. Allele origin: germline. Affected: yes. Observed: 5 variant alleles.

GeneDx
Classification: Pathogenic. Last evaluated: 2021-01-07. Review status: criteria provided, single submitter. Criteria: GeneDx Variant Classification Process June 2021. Collection method: clinical testing. Allele origin: germline. Affected: yes.
Comment: Not observed in large population cohorts (Lek et al., 2016); Intronic +5 splice site variant in a gene for which loss-of-function is a known mechanism of disease, and splice predictors support a deleterious effect; Published functional studies demonstrate that this variant leads to exon skipping and premature truncation (Carrier et al., 1997; Flavigny et al., 1999; Ito et al., 2017); Reported in ClinVar (ClinVar Variant ID# 42796; Landrum et al., 2016); This variant is associated with the following publications: (PMID: 31513939, 24721642, 28679633, 10610770, 9048664, 20624503, 12707239, 14613868, 30847666, 33673806)

Center for Human Genetics, University of Leuven
Classification: Pathogenic for Hypertrophic cardiomyopathy. Last evaluated: 2018-10-31. Review status: criteria provided, single submitter. Criteria: ACMG Guidelines, 2015. Collection method: clinical testing. Allele origin: germline. Affected: yes.

CHEO Genetics Diagnostic Laboratory, Children's Hospital of Eastern Ontario
Classification: Likely pathogenic for Cardiomyopathy. Last evaluated: 2017-02-02. Review status: criteria provided, single submitter. Criteria: ACMG Guidelines, 2015. Collection method: clinical testing. Allele origin: germline. Study: Canadian Open Genetics Repository.

Center for Medical Genetics Ghent, University of Ghent
Classification: Likely pathogenic for Hypertrophic cardiomyopathy 4. Last evaluated: 2016-01-01. Review status: criteria provided, single submitter. Criteria: ACMG Guidelines, 2015. Collection method: clinical testing. Allele origin: germline. Affected: yes.

Laboratory for Molecular Medicine, Mass General Brigham Personalized Medicine
Classification: Likely pathogenic for Hypertrophic cardiomyopathy. Last evaluated: 2014-06-19. Review status: criteria provided, single submitter. Criteria: LMM Criteria. Collection method: clinical testing. Allele origin: germline. Inheritance: Autosomal dominant inheritance. Observed: 2 variant alleles.
Comment: The 821+5G>A variant in MYBPC3 has been reported in 2 individuals with HCM, was absent from 400 control chromosomes, and segregated with disease in 4 affected r elatives from 1 family (Carrier 1997, Richard 2003). In addition, this variant h as been identified by our laboratory in 2 Caucasian adults with HCM. This varian t is located in the 5' splice region and in vitro studies indicate this variant leads to aberrant splicing which is predicted to result in a truncated or absent protein (Carrier 1997, Flavigny 1999, Flavigny 2003). In summary, segregation a nd in vitro studies suggest that this variant is likely pathogenic, though addit ional studies are required to fully establish its clinical significance.

OMIM
Classification: Pathogenic for CARDIOMYOPATHY, FAMILIAL HYPERTROPHIC, 4. Last evaluated: 1997-03-01. Review status: no assertion criteria provided. Collection method: literature only. Allele origin: germline. Not counted in ClinVar's aggregate classification.

Clinical Genetics, Academic Medical Center
Classification: Uncertain significance. Review status: no assertion criteria provided. Collection method: clinical testing. Allele origin: germline. Affected: yes. Study: VKGL Data-share Consensus. Not counted in ClinVar's aggregate classification.

Clinical Genetics DNA and cytogenetics Diagnostics Lab, Erasmus MC, Erasmus Medical Center
Classification: Uncertain significance for Hypertrophic cardiomyopathy 4. Last evaluated: 2017-09-14. Review status: flagged submission. Criteria: ACGS Guidelines, 2013. Collection method: clinical testing. Allele origin: germline. Affected: yes. Study: VKGL Data-share Consensus. Not counted in ClinVar's aggregate classification.
ClinVar note: Reason: Outlier claim with insufficient supporting evidence

Literature cited by the submitters: PubMed 9048664 (cited by 4 submitters); PubMed 12707239 (cited by 3 submitters); PubMed 23140321 (cited by Labcorp Genetics (formerly Invitae), Labcorp); PubMed 17576681 (cited by Labcorp Genetics (formerly Invitae), Labcorp); PubMed 9536098 (cited by Labcorp Genetics (formerly Invitae), Labcorp); PubMed 10610770 (cited by Center for Medical Genetics Ghent, University of Ghent and Laboratory for Molecular Medicine, Mass General Brigham Personalized Medicine); PubMed 14613868 (cited by Center for Medical Genetics Ghent, University of Ghent and Laboratory for Molecular Medicine, Mass General Brigham Personalized Medicine).